The following is an entry in ClinVar:

NM_001876.4(CPT1A):c.2122A>G (p.Ser708Gly)

Gene: CPT1A (carnitine palmitoyltransferase 1A; minus strand). Cytogenetic location: 11q13.3.
Variant type: single nucleotide variant.
Coding change: c.2122A>G on transcript NM_001876.4 (MANE Select); coding-DNA position 2122, A replaced by G.
Protein change: p.Ser708Gly; replaces serine 708 with glycine.
Molecular consequence: missense variant.
Genome position (GRCh38, 1-based): chr11:68,760,245, T>C on the plus strand (A>G on the coding strand, the complement: CPT1A is on the minus strand). VCF-style: chr11-68760245-T-C. GRCh37 (hg19) VCF-style: chr11-68527713-T-C.
Other names: c.2122A>G (NM_001876.3); c.2122A>G, p.Ser708Gly (NM_001031847.3); short protein forms S708G.
Identifiers: ClinVar variation 1935202 (VCV001935202.6), dbSNP rs1594315263, ClinGen allele CA381625781.

ClinVar aggregate classification (germline): Uncertain significance. Review status: criteria provided, multiple submitters, no conflicts (2 of 4 stars). 2 submissions from 2 submitters: Uncertain significance (2). Last evaluated 2025-08-18.

Conditions:
Inborn genetic diseases. Identifiers: MedGen C0950123, MeSH D030342.
Carnitine palmitoyl transferase 1A deficiency. Also called: CPT I DEFICIENCY; CPT DEFICIENCY, HEPATIC, TYPE I; CPT deficiency, hepatic, type IA; Carnitine palmitoyltransferase 1A deficiency; Carnitine palmitoyltransferase type I deficiency. Identifiers: Orphanet 156, MedGen C1829703, MONDO:0009705, OMIM 255120.

Allele frequency attached by ClinVar (database versions not stated): gnomAD exomes below 0.00001; TOPMed below 0.00001.
gnomAD v4.1: 1 of 1,611,142 alleles (0.000062%); highest among the groups gnomAD compares: Non-Finnish European, 0.000085%; no homozygotes.

Submissions (2):

Labcorp Genetics (formerly Invitae), Labcorp
Classification: Uncertain significance for Carnitine palmitoyl transferase 1A deficiency. Last evaluated: 2025-08-18. Review status: criteria provided, single submitter. Criteria: Invitae Variant Classification Sherloc (09022015). Collection method: clinical testing. Allele origin: germline.
Comment: This sequence change replaces serine, which is neutral and polar, with glycine, which is neutral and non-polar, at codon 708 of the CPT1A protein (p.Ser708Gly). This variant is not present in population databases (gnomAD no frequency). This variant has not been reported in the literature in individuals affected with CPT1A-related conditions. ClinVar contains an entry for this variant (Variation ID: 1935202). Invitae Evidence Modeling of protein sequence and biophysical properties (such as structural, functional, and spatial information, amino acid conservation, physicochemical variation, residue mobility, and thermodynamic stability) indicates that this missense variant is not expected to disrupt CPT1A protein function with a negative predictive value of 95%. In summary, the available evidence is currently insufficient to determine the role of this variant in disease. Therefore, it has been classified as a Variant of Uncertain Significance.

Ambry Genetics
Classification: Uncertain significance for Inborn genetic diseases. Last evaluated: 2025-01-27. Review status: criteria provided, single submitter. Criteria: Ambry Variant Classification Scheme 2023. Collection method: clinical testing. Allele origin: germline.